The following is an entry in ClinVar:

NM_024312.5(GNPTAB):c.1931_1932inv (p.Thr644Met)

Gene: GNPTAB (N-acetylglucosamine-1-phosphate transferase subunits alpha and beta; minus strand). Cytogenetic location: 12q23.2.
Variant type: Inversion.
Coding change: c.1931_1932inv on transcript NM_024312.5 (MANE Select).
Protein change: p.Thr644Met; replaces threonine 644 with methionine.
Molecular consequence: missense variant.
Genome position: GRCh38 VCF-style: chr12-101764985-TG-CA. GRCh37 (hg19) VCF-style: chr12-102158763-TG-CA.
Other names: c.1931_1932delCAinsTG (NM_024312.4); short protein forms T644M.
Identifiers: ClinVar variation 194266 (VCV000194266.17), ClinGen allele CA201077.

ClinVar aggregate classification (germline): Benign/Likely benign. Review status: criteria provided, multiple submitters, no conflicts (2 of 4 stars). 4 submissions from 4 submitters: Benign (2); Likely benign (2). Last evaluated 2026-02-04.

Conditions:
Mucolipidosis type II. Also called: Mucolipidosis II Alpha/Beta; Mucolipidosis 2; ML 2; Inclusion cell disease; Leroy Disease; N-acetylglucosamine 1phosphotransferase deficiency. Identifiers: Orphanet 576, MedGen C2673377, MONDO:0009650, OMIM 252500.
Pseudo-Hurler polydystrophy. Also called: Mucolipidosis III Alpha/Beta; Type III Mucolipidosis; ML IIIA; ML III; ML III ALPHA/BETA; MUCOLIPIDOSIS IIIA. Identifiers: Orphanet 423461, Orphanet 577, MedGen C0033788, MONDO:0018931, OMIM 252600.

Submissions (4):

Labcorp Genetics (formerly Invitae), Labcorp
Classification: Likely benign for Pseudo-Hurler polydystrophy; Mucolipidosis type II. Last evaluated: 2026-02-04. Review status: criteria provided, single submitter. Criteria: Invitae Variant Classification Sherloc (09022015). Collection method: clinical testing. Allele origin: germline.

GeneDx
Classification: Likely benign. Last evaluated: 2019-10-18. Review status: criteria provided, single submitter. Criteria: GeneDx Variant Classification Process June 2021. Collection method: clinical testing. Allele origin: germline. Affected: yes.
Comment: This variant is associated with the following publications: (PMID: 30548430, 25788519, 26130485, 30882951)

Women's Health and Genetics/Laboratory Corporation of America, LabCorp
Classification: Benign. Last evaluated: 2017-04-27. Review status: criteria provided, single submitter. Criteria: LabCorp Variant Classification Summary - May 2015. Collection method: clinical testing. Allele origin: germline.
Comment: Variant summary: The GNPTAB c.1931_1932delinsTG (p.Thr644delinsMet) variant involves the alteration a dinucleotide, resulting in a missense substitution that is not within a known functional domain (InterPro). 2/2 in silico tool predicts a damaging outcome for this variant (SNPs&GO was excluded due to a low reliability index and PolyPhen was unavailable during this analysis). This variant was found in 1646/122718 control chromosomes (24 homozygotes) at a frequency of 0.0134129, which is approximately 6 times the estimated maximal expected allele frequency of a pathogenic GNPTAB variant (0.0022361), suggesting this variant is likely a benign polymorphism. One clinical diagnostic laboratory has classified this variant as benign. In contrast, functional assays have suggested that protein function was partially impaired by the variant, which was identified in a mucolipidosis III patient in compound heterozygote state (Velho_2015, the other variant: c.3668_3670delCTA/T1223del). However, the patial loss of protein activity of GNPTAB-T644M in HEK-293 cells may not present in vivo or not be significant enough to cause disease. Taken together, this variant is classified as benign.

Eurofins Ntd Llc (ga)
Classification: Benign. Last evaluated: 2014-09-16. Review status: criteria provided, single submitter. Criteria: EGL Classification Definitions 2015. Collection method: clinical testing. Allele origin: germline. Observed: 2 variant alleles, 2 heterozygotes.

Literature cited by the submitters: PubMed 25788519 (cited by Women's Health and Genetics/Laboratory Corporation of America, LabCorp); PubMed 26130485 (cited by Women's Health and Genetics/Laboratory Corporation of America, LabCorp).